The following is an entry in ClinVar:

NM_152594.3(SPRED1):c.41A>G (p.Tyr14Cys)

Gene: SPRED1 (sprouty related EVH1 domain containing 1; plus strand). Cytogenetic location: 15q14.
Variant type: single nucleotide variant.
Coding change: c.41A>G on transcript NM_152594.3 (MANE Select); coding-DNA position 41, A replaced by G.
Protein change: p.Tyr14Cys; replaces tyrosine 14 with cysteine.
Molecular consequence: missense variant.
Genome position (GRCh38, 1-based): chr15:38,299,381, A>G. VCF-style: chr15-38299381-A-G. GRCh37 (hg19) VCF-style: chr15-38591582-A-G.
Other names: c.41A>G (NM_152594.2); short protein forms Y14C.
Identifiers: ClinVar variation 3621595 (VCV003621595.3).

ClinVar aggregate classification (germline): Uncertain significance. Review status: criteria provided, multiple submitters, no conflicts (2 of 4 stars). 2 submissions from 2 submitters: Uncertain significance (2). Last evaluated 2025-09-28.

Conditions:
Legius syndrome. Identifiers: Orphanet 137605, MedGen C1969623, MONDO:0012669, OMIM 611431. Disease mechanism: loss of function.
Cardiovascular phenotype. Identifiers: MedGen CN230736.

gnomAD v4.1: 4 of 1,613,900 alleles (0.00025%); highest among the groups gnomAD compares: Non-Finnish European, 0.00034%; no homozygotes.

Submissions (2):

Ambry Genetics
Classification: Uncertain significance for Cardiovascular phenotype. Last evaluated: 2025-09-28. Review status: criteria provided, single submitter. Criteria: Ambry Variant Classification Scheme 2023. Collection method: clinical testing. Allele origin: germline.
Comment: The p.Y14C variant (also known as c.41A>G), located in coding exon 2 of the SPRED1 gene, results from an A to G substitution at nucleotide position 41. The tyrosine at codon 14 is replaced by cysteine, an amino acid with highly dissimilar properties. This amino acid position is conserved. In addition, this alteration is predicted to be deleterious by in silico analysis. Based on the available evidence, the clinical significance of this variant remains unclear.

Labcorp Genetics (formerly Invitae), Labcorp
Classification: Uncertain significance for Legius syndrome. Last evaluated: 2025-06-19. Review status: criteria provided, single submitter. Criteria: Invitae Variant Classification Sherloc (09022015). Collection method: clinical testing. Allele origin: germline.
Comment: This sequence change replaces tyrosine, which is neutral and polar, with cysteine, which is neutral and slightly polar, at codon 14 of the SPRED1 protein (p.Tyr14Cys). This variant is present in population databases (no rsID available, gnomAD 0.0009%). This variant has not been reported in the literature in individuals affected with SPRED1-related conditions. ClinVar contains an entry for this variant (Variation ID: 3621595). Invitae Evidence Modeling of protein sequence and biophysical properties (such as structural, functional, and spatial information, amino acid conservation, physicochemical variation, residue mobility, and thermodynamic stability) indicates that this missense variant is not expected to disrupt SPRED1 protein function with a negative predictive value of 80%. In summary, the available evidence is currently insufficient to determine the role of this variant in disease. Therefore, it has been classified as a Variant of Uncertain Significance.